The following is an entry in ClinVar:

NM_001750.7(CAST):c.775A>G (p.Thr259Ala)

Gene: CAST (calpastatin; plus strand). Cytogenetic location: 5q15.
Variant type: single nucleotide variant.
Coding change: c.775A>G on transcript NM_001750.7 (MANE Select); coding-DNA position 775, A replaced by G.
Protein change: p.Thr259Ala; replaces threonine 259 with alanine.
Molecular consequence: missense variant.
Genome position (GRCh38, 1-based): chr5:96,737,924, A>G. VCF-style: chr5-96737924-A-G. GRCh37 (hg19) VCF-style: chr5-96073628-A-G.
Other names: c.652A>G, p.Thr218Ala (NM_001042440.5, NM_001330627.2); c.718A>G, p.Thr240Ala (NM_001042441.3, NM_001330626.2); c.709A>G, p.Thr237Ala (NM_001042442.3); c.526A>G, p.Thr176Ala (NM_001042443.3, NM_001190442.2, NM_001330631.2); c.403A>G, p.Thr135Ala (NM_001042444.3, NM_001042446.3, NM_001284212.4 and 1 more transcripts); c.460A>G, p.Thr154Ala (NM_001042445.3, NM_001330632.2, NM_173060.5); c.310A>G, p.Thr104Ala (NM_001284213.4); c.607A>G, p.Thr203Ala (NM_001330628.2); and 4 more; short protein forms T104A, T135A, T154A, T157A, T176A, T203A, T218A, T222A.
Identifiers: ClinVar variation 1547937 (VCV001547937.10), dbSNP rs542940545, ClinGen allele CA3350959.

ClinVar aggregate classification (germline): Benign. Review status: criteria provided, single submitter (1 of 4 stars). 2 submissions from 2 submitters: Benign (1). 1 of the submissions does not count toward it. Last evaluated 2024-06-09.

Conditions:
CAST-related disorder. Also called: CAST-related condition.

Allele frequency attached by ClinVar (database versions not stated): gnomAD 0.00006 and 0.00108; TOPMed 0.00028; gnomAD exomes 0.00376; ExAC 0.00398; 1000 Genomes Project 30x 0.00593; 1000 Genomes Project 0.00659.
gnomAD v4.1: 2,584 of 1,598,586 alleles (0.16%); highest among the groups gnomAD compares: South Asian, 2.6%; 57 homozygotes.

Submissions (2):

Labcorp Genetics (formerly Invitae), Labcorp
Classification: Benign. Last evaluated: 2024-06-09. Review status: criteria provided, single submitter. Criteria: Invitae Variant Classification Sherloc (09022015). Collection method: clinical testing. Allele origin: germline.

PreventionGenetics, part of Exact Sciences
Classification: Benign for CAST-related condition. Last evaluated: 2019-06-10. Review status: no assertion criteria provided. Collection method: clinical testing. Allele origin: germline. Not counted in ClinVar's aggregate classification.
Comment: This variant is classified as benign based on ACMG/AMP sequence variant interpretation guidelines (Richards et al. 2015 PMID: 25741868, with internal and published modifications).